The following is an entry in ClinVar:

ClinVar aggregate classification (germline): Likely pathogenic (1 of 4 stars; one submission).

Conditions:
Familial dysautonomia. Also called: FD; HSAN III. Identifiers: Orphanet 1764, MedGen C0013364, MONDO:0009131, OMIM 223900. Disease mechanism: loss of function.

Submission:

Natera, Inc.
Classification: Likely pathogenic for Familial dysautonomia. Last evaluated: 2025-04-28. Review status: criteria provided, single submitter. Criteria: Natera Variant Classification Schema (03/2026). Collection method: clinical testing. Allele origin: germline.
Comment: The c.3700+2T>C variant in ELP1 is a canonical splice donor site variant predicted to affect pre-mRNA splicing, which may result in an abnormal transcript and altered protein product. This variant is expected to result in nonsense mediated decay, truncation, or a dysfunctional protein product. This variant is rare in the general population with a frequency below the threshold expected for the associated phenotype(s). Given the available evidence, this variant is classified as Likely Pathogenic.

NM_003640.5(ELP1):c.3700+2T>C

Gene: ELP1 (elongator acetyltransferase complex subunit 1; minus strand). Cytogenetic location: 9q31.3.
Variant type: single nucleotide variant.
Coding change: c.3700+2T>C on transcript NM_003640.5 (MANE Select); the canonical splice donor site of the intron after coding-DNA position 3700, T replaced by C.
Molecular consequence: splice donor variant.
Genome position (GRCh38, 1-based): chr9:108,878,621, A>G on the plus strand (T>C on the coding strand, the complement: ELP1 is on the minus strand). VCF-style: chr9-108878621-A-G. GRCh37 (hg19) VCF-style: chr9-111640901-A-G.
Other names: c.3358+2T>C (NM_001318360.2); c.2653+2T>C (NM_001330749.2).
Identifiers: ClinVar variation 4067188 (VCV004067188.2).